The following is an entry in ClinVar:

NM_032383.5(HPS3):c.2018C>A (p.Ser673Ter)

Gene: HPS3 (HPS3 biogenesis of lysosomal organelles complex 2 subunit 1; plus strand). Cytogenetic location: 3q24.
Variant type: single nucleotide variant.
Coding change: c.2018C>A on transcript NM_032383.5 (MANE Select); coding-DNA position 2018, C replaced by A.
Protein change: p.Ser673Ter; replaces serine 673 with a stop codon.
Molecular consequence: nonsense.
Genome position (GRCh38, 1-based): chr3:149,160,191, C>A. VCF-style: chr3-149160191-C-A. GRCh37 (hg19) VCF-style: chr3-148877978-C-A.
Other names: c.1523C>A, p.Ser508Ter (NM_001308258.2); short protein forms S508*, S673*.
Identifiers: ClinVar variation 2994870 (VCV002994870.4), dbSNP rs141023798, ClinGen allele CA354923524.

ClinVar aggregate classification (germline): Pathogenic (1 of 4 stars; one submission).

gnomAD v4.1: 3 of 1,613,796 alleles (0.00019%); highest among the groups gnomAD compares: South Asian, 0.0033%; no homozygotes.

Submissions (2):

Labcorp Genetics (formerly Invitae), Labcorp
Classification: Pathogenic. Last evaluated: 2023-08-18. Review status: criteria provided, single submitter. Criteria: Invitae Variant Classification Sherloc (09022015). Collection method: clinical testing. Allele origin: germline.
Comment: For these reasons, this variant has been classified as Pathogenic. Algorithms developed to predict the effect of sequence changes on RNA splicing suggest that this variant may disrupt the consensus splice site. This variant has not been reported in the literature in individuals affected with HPS3-related conditions. This variant is present in population databases (no rsID available, gnomAD 0.003%). This sequence change creates a premature translational stop signal (p.Ser673*) in the HPS3 gene. It is expected to result in an absent or disrupted protein product. Loss-of-function variants in HPS3 are known to be pathogenic (PMID: 11590544).

Dr. Peter K. Rogan Lab, Western University
No classification provided (evidence only). Condition: Hepatocellular carcinoma. Review status: no classification provided. Collection method: in vitro. Allele origin: not applicable. Functional consequence: retained intron. Not counted in ClinVar's aggregate classification.

Literature cited by the submitters: PubMed 11590544 (cited by Labcorp Genetics (formerly Invitae), Labcorp).